The following is an entry in ClinVar:

ClinVar aggregate classification (germline): Uncertain significance (1 of 4 stars; one submission).

Conditions:
Inborn genetic diseases. Identifiers: MedGen C0950123, MeSH D030342.

Submission:

Ambry Genetics
Classification: Uncertain significance for Inborn genetic diseases. Last evaluated: 2026-09-08. Review status: criteria provided, single submitter. Criteria: Ambry Variant Classification Scheme 2023. Collection method: clinical testing. Allele origin: germline.
Comment: The p.P1326L variant (also known as c.3977C>T), located in coding exon 1 of the SAMD9 gene, results from a C to T substitution at nucleotide position 3977. The proline at codon 1326 is replaced by leucine, an amino acid with similar properties. This amino acid position is conserved. In addition, this alteration is predicted to be tolerated by in silico analysis. Based on the available evidence, the clinical significance of this variant remains unclear.

NM_017654.4(SAMD9):c.3977C>T (p.Pro1326Leu)

Gene: SAMD9 (sterile alpha motif domain containing 9; minus strand). Cytogenetic location: 7q21.2.
Variant type: single nucleotide variant.
Coding change: c.3977C>T on transcript NM_017654.4 (MANE Select); coding-DNA position 3977, C replaced by T.
Protein change: p.Pro1326Leu; replaces proline 1326 with leucine.
Molecular consequence: missense variant.
Genome position (GRCh38, 1-based): chr7:93,102,121, G>A on the plus strand (C>T on the coding strand, the complement: SAMD9 is on the minus strand). VCF-style: chr7-93102121-G-A. GRCh37 (hg19) VCF-style: chr7-92731434-G-A.
Other names: c.3977C>T, p.Pro1326Leu (NM_001193307.2); short protein forms P1326L.
Identifiers: ClinVar variation 5028823 (VCV005028823.1).
Genomic context (GRCh38, chr7:93,102,121, plus strand): 5'-CCAGAAAACTTGTCTGCTTTTAAAGCTACTAGGTTTCTCCTGCATCTCTCTACTTGAAGT[G>A]GCTCACTGAACTTTGATCCAAGACCTGTGTTGTTTTGTGATTCTTCTAAGAGACAAAATA-3'
Protein context (NP_060124.2, residues 1316-1336): NTGLGSKFSE[Pro1326Leu]LQVERCRRNL